The following is an entry in ClinVar:

ClinVar aggregate classification (germline): Uncertain significance. Review status: criteria provided, multiple submitters, no conflicts (2 of 4 stars). 4 submissions from 4 submitters: Uncertain significance (4). Last evaluated 2025-04-04.

Conditions:
Joubert syndrome 7 (JBTS7). Identifiers: Orphanet 220497, MedGen C1969053, MONDO:0012694, OMIM 611560.
COACH syndrome 3. Identifiers: MedGen C5436841, MONDO:0030862, OMIM 619113.
Meckel syndrome, type 5 (MKS5). Identifiers: Orphanet 564, MedGen C1969052, MONDO:0012695, OMIM 611561.
Inborn genetic diseases. Identifiers: MedGen C0950123, MeSH D030342.
Joubert syndrome. Also called: Familial aplasia of the vermis; JOUBERT-BOLTSHAUSER SYNDROME. Identifiers: Orphanet 475, MedGen C5979921, MONDO:0018772.
Meckel-Gruber syndrome. Also called: DYSENCEPHALIA SPLANCHNOCYSTICA; GRUBER SYNDROME; Dysencephalia splachnocystica. Identifiers: Orphanet 564, MedGen C0265215, MONDO:0018921.

Allele frequency attached by ClinVar (database versions not stated): ExAC 0.00001; gnomAD 0.00001.
gnomAD v4.1: 10 of 1,612,278 alleles (0.00062%); highest among the groups gnomAD compares: African/African-American, 0.0013%; no homozygotes.

Submissions (4):

Ambry Genetics
Classification: Uncertain significance for Inborn genetic diseases. Last evaluated: 2025-04-04. Review status: criteria provided, single submitter. Criteria: Ambry Variant Classification Scheme 2023. Collection method: clinical testing. Allele origin: germline.

Fulgent Genetics
Classification: Uncertain significance for Joubert syndrome 7; Meckel syndrome, type 5; COACH syndrome 3. Last evaluated: 2024-03-31. Review status: criteria provided, single submitter. Criteria: ACMG Guidelines, 2015. Collection method: clinical testing. Allele origin: germline.

Blueprint Genetics
Classification: Uncertain significance. Last evaluated: 2022-07-27. Review status: criteria provided, single submitter. Criteria: ACMG Guidelines, 2015. Collection method: clinical testing. Allele origin: germline.

Labcorp Genetics (formerly Invitae), Labcorp
Classification: Uncertain significance for Joubert syndrome; Meckel-Gruber syndrome. Last evaluated: 2022-01-03. Review status: criteria provided, single submitter. Criteria: Invitae Variant Classification Sherloc (09022015). Collection method: clinical testing. Allele origin: germline.
Comment: This sequence change replaces arginine, which is basic and polar, with glutamine, which is neutral and polar, at codon 1283 of the RPGRIP1L protein (p.Arg1283Gln). This variant is present in population databases (rs753647152, gnomAD 0.004%). This variant has not been reported in the literature in individuals affected with RPGRIP1L-related conditions. Algorithms developed to predict the effect of missense changes on protein structure and function output the following: SIFT: "Tolerated"; PolyPhen-2: "Benign"; Align-GVGD: "Class C0". The glutamine amino acid residue is found in multiple mammalian species, which suggests that this missense change does not adversely affect protein function. In summary, the available evidence is currently insufficient to determine the role of this variant in disease. Therefore, it has been classified as a Variant of Uncertain Significance.

NM_015272.5(RPGRIP1L):c.3848G>A (p.Arg1283Gln)

Gene: RPGRIP1L (RPGRIP1 like; minus strand). Cytogenetic location: 16q12.2.
Variant type: single nucleotide variant.
Coding change: c.3848G>A on transcript NM_015272.5 (MANE Select); coding-DNA position 3848, G replaced by A.
Protein change: p.Arg1283Gln; replaces arginine 1283 with glutamine.
Molecular consequence: missense variant.
Genome position (GRCh38, 1-based): chr16:53,602,176, C>T on the plus strand (G>A on the coding strand, the complement: RPGRIP1L is on the minus strand). VCF-style: chr16-53602176-C-T. GRCh37 (hg19) VCF-style: chr16-53636088-C-T.
Other names: c.3608G>A, p.Arg1203Gln (NM_001127897.4); c.3710G>A, p.Arg1237Gln (NM_001308334.3); c.3746G>A, p.Arg1249Gln (NM_001330538.2); c.3848G>A (NM_015272.2); short protein forms R1249Q, R1283Q, R1237Q, R1203Q.
Identifiers: ClinVar variation 2054338 (VCV002054338.4), dbSNP rs753647152, ClinGen allele CA8057135.